The following is an entry in ClinVar:

NM_000255.4(MMUT):c.1415C>T (p.Ala472Val)

Gene: MMUT (methylmalonyl-CoA mutase; minus strand). Cytogenetic location: 6p12.3.
Variant type: single nucleotide variant.
Coding change: c.1415C>T on transcript NM_000255.4 (MANE Select); coding-DNA position 1415, C replaced by T.
Protein change: p.Ala472Val; replaces alanine 472 with valine.
Molecular consequence: missense variant.
Genome position (GRCh38, 1-based): chr6:49,448,845, G>A on the plus strand (C>T on the coding strand, the complement: MMUT is on the minus strand). VCF-style: chr6-49448845-G-A. GRCh37 (hg19) VCF-style: chr6-49416558-G-A.
Other names: short protein forms A472V.
Identifiers: ClinVar variation 1435195 (VCV001435195.7), dbSNP rs747589392, ClinGen allele CA3846888.

ClinVar aggregate classification (germline): Conflicting classifications of pathogenicity. Review status: criteria provided, conflicting classifications (1 of 4 stars). 2 submissions from 2 submitters: Likely pathogenic (1); Uncertain significance (1). Last evaluated 2026-01-20.

Conditions:
Methylmalonic aciduria due to methylmalonyl-CoA mutase deficiency (MAMM). Also called: Methylmalonic aciduria, mut type. Identifiers: Orphanet 27, MedGen C1855114, MONDO:0009612, OMIM 251000.

Allele frequency attached by ClinVar (database versions not stated): ExAC 0.00001; gnomAD exomes 0.00001; TOPMed 0.00008.
gnomAD v4.1: 24 of 1,613,252 alleles (0.0015%); highest among the groups gnomAD compares: Admixed American, 0.0083%; no homozygotes.

Submissions (2):

Labcorp Genetics (formerly Invitae), Labcorp
Classification: Likely pathogenic. Last evaluated: 2026-01-20. Review status: criteria provided, single submitter. Criteria: Invitae Variant Classification Sherloc (09022015). Collection method: clinical testing. Allele origin: germline.
Comment: This sequence change replaces alanine, which is neutral and non-polar, with valine, which is neutral and non-polar, at codon 472 of the MUT protein (p.Ala472Val). This variant is present in population databases (rs747589392, gnomAD 0.003%). This missense change has been observed in individual(s) with clinical features of methylmalonic aciduria (internal data). In at least one individual the data is consistent with being in trans (on the opposite chromosome) from a pathogenic variant. ClinVar contains an entry for this variant (Variation ID: 1435195). Invitae Evidence Modeling of protein sequence and biophysical properties (such as structural, functional, and spatial information, amino acid conservation, physicochemical variation, residue mobility, and thermodynamic stability) indicates that this missense variant is expected to disrupt MUT protein function with a positive predictive value of 95%. In summary, the currently available evidence indicates that the variant is pathogenic, but additional data are needed to prove that conclusively. Therefore, this variant has been classified as Likely Pathogenic.

Fulgent Genetics
Classification: Uncertain significance for Methylmalonic aciduria due to methylmalonyl-CoA mutase deficiency. Last evaluated: 2022-05-12. Review status: criteria provided, single submitter. Criteria: ACMG Guidelines, 2015. Collection method: clinical testing. Allele origin: unknown.